The following is an entry in ClinVar:

ClinVar aggregate classification (germline): Uncertain significance (1 of 4 stars; one submission).

Submission:

Labcorp Genetics (formerly Invitae), Labcorp
Classification: Uncertain significance. Last evaluated: 2022-07-12. Review status: criteria provided, single submitter. Criteria: Invitae Variant Classification Sherloc (09022015). Collection method: clinical testing. Allele origin: germline.
Comment: In summary, the available evidence is currently insufficient to determine the role of this variant in disease. Therefore, it has been classified as a Variant of Uncertain Significance. Algorithms developed to predict the effect of missense changes on protein structure and function (SIFT, PolyPhen-2, Align-GVGD) all suggest that this variant is likely to be tolerated. ClinVar contains an entry for this variant (Variation ID: 1394281). This variant has not been reported in the literature in individuals affected with DIP2C-related conditions. This variant is not present in population databases (gnomAD no frequency). This sequence change replaces glycine, which is neutral and non-polar, with alanine, which is neutral and non-polar, at codon 149 of the DIP2C protein (p.Gly149Ala).

NM_014974.3(DIP2C):c.446G>C (p.Gly149Ala)

Gene: DIP2C (DIP2 acetate--CoA ligase C (putative); minus strand). Cytogenetic location: 10p15.3.
Variant type: single nucleotide variant.
Coding change: c.446G>C on transcript NM_014974.3 (MANE Select); coding-DNA position 446, G replaced by C.
Protein change: p.Gly149Ala; replaces glycine 149 with alanine.
Molecular consequence: missense variant.
Genome position (GRCh38, 1-based): chr10:422,982, C>G on the plus strand (G>C on the coding strand, the complement: DIP2C is on the minus strand). VCF-style: chr10-422982-C-G. GRCh37 (hg19) VCF-style: chr10-468922-C-G.
Other names: short protein forms G149A.
Identifiers: ClinVar variation 1394281 (VCV001394281.8), dbSNP rs1313281003, ClinGen allele CA375834672.